The following is an entry in ClinVar:

ClinVar aggregate classification (germline): Uncertain significance. Review status: criteria provided, multiple submitters, no conflicts (2 of 4 stars). 6 submissions from 4 submitters: Uncertain significance (6). Last evaluated 2025-06-01.

Conditions:
Charcot-Marie-Tooth disease axonal type 2X. Also called: CHARCOT-MARIE-TOOTH DISEASE, AXONAL, AUTOSOMAL RECESSIVE, TYPE 2X; CHARCOT-MARIE-TOOTH NEUROPATHY, TYPE 2X. Identifiers: Orphanet 466775, MedGen C5569024, MONDO:0014726, OMIM 616668.
Hereditary spastic paraplegia 11. Also called: SPASTIC PARAPLEGIA, AUTOSOMAL RECESSIVE, COMPLICATED, WITH THIN CORPUS CALLOSUM; SPASTIC PARAPLEGIA, AUTOSOMAL RECESSIVE, WITH MENTAL IMPAIRMENT AND THIN CORPUS CALLOSUM; Spastic Paraplegia 11; Nakamura Osame syndrome; Autosomal recessive hereditary spastic paraplegia, mental impairment, and thin corpus callosum; Spastic paraplegia, mental retardation and thin corpus callosum. Identifiers: Orphanet 2822, MedGen C1858479, MONDO:0011445, OMIM 604360.
Amyotrophic lateral sclerosis type 5 (ALS5). Also called: AMYOTROPHIC LATERAL SCLEROSIS 5, JUVENILE. Identifiers: Orphanet 300605, MedGen C1865864, MONDO:0011196, OMIM 602099.

Allele frequency attached by ClinVar (database versions not stated): gnomAD exomes below 0.00001; TOPMed 0.00001.

Submissions (6):

CeGaT Center for Human Genetics Tuebingen
Classification: Uncertain significance. Last evaluated: 2025-06-01. Review status: criteria provided, single submitter. Criteria: CeGaT Center For Human Genetics Tuebingen Variant Classification Criteria Version 2. Collection method: clinical testing. Allele origin: germline. Affected: yes. Observed: 1 variant allele.
Comment: SPG11: PM2

Mendelics
Classification: Uncertain significance. Last evaluated: 2022-05-04. Review status: criteria provided, single submitter. Criteria: Mendelics Assertion Criteria 2019. Collection method: clinical testing. Allele origin: germline.

Labcorp Genetics (formerly Invitae), Labcorp
Classification: Uncertain significance for Hereditary spastic paraplegia 11. Last evaluated: 2022-04-09. Review status: criteria provided, single submitter. Criteria: Invitae Variant Classification Sherloc (09022015). Collection method: clinical testing. Allele origin: germline.
Comment: This sequence change replaces valine, which is neutral and non-polar, with methionine, which is neutral and non-polar, at codon 65 of the SPG11 protein (p.Val65Met). This variant is not present in population databases (gnomAD no frequency). This variant has not been reported in the literature in individuals affected with SPG11-related conditions. ClinVar contains an entry for this variant (Variation ID: 836558). Algorithms developed to predict the effect of missense changes on protein structure and function are either unavailable or do not agree on the potential impact of this missense change (SIFT: "Deleterious"; PolyPhen-2: "Probably Damaging"; Align-GVGD: "Class C0"). In summary, the available evidence is currently insufficient to determine the role of this variant in disease. Therefore, it has been classified as a Variant of Uncertain Significance.

Genome-Nilou Lab
Classification: Uncertain significance for Amyotrophic lateral sclerosis type 5. Review status: criteria provided, single submitter. Criteria: ACMG Guidelines, 2015. Collection method: clinical testing. Allele origin: germline.

Genome-Nilou Lab
Classification: Uncertain significance for Charcot-Marie-Tooth disease axonal type 2X. Review status: criteria provided, single submitter. Criteria: ACMG Guidelines, 2015. Collection method: clinical testing. Allele origin: germline.

Genome-Nilou Lab
Classification: Uncertain significance for Hereditary spastic paraplegia 11. Review status: criteria provided, single submitter. Criteria: ACMG Guidelines, 2015. Collection method: clinical testing. Allele origin: germline.

NM_025137.4(SPG11):c.193G>A (p.Val65Met)

Gene: SPG11 (SPG11 vesicle trafficking associated, spatacsin; minus strand). Cytogenetic location: 15q21.1.
Variant type: single nucleotide variant.
Coding change: c.193G>A on transcript NM_025137.4 (MANE Select); coding-DNA position 193, G replaced by A.
Protein change: p.Val65Met; replaces valine 65 with methionine.
Molecular consequence: missense variant.
Genome position (GRCh38, 1-based): chr15:44,663,455, C>T on the plus strand (G>A on the coding strand, the complement: SPG11 is on the minus strand). VCF-style: chr15-44663455-C-T. GRCh37 (hg19) VCF-style: chr15-44955653-C-T.
Other names: c.193G>A, p.Val65Met (NM_001160227.2); short protein forms V65M.
Identifiers: ClinVar variation 836558 (VCV000836558.17), dbSNP rs999651004, ClinGen allele CA270113700.
Genomic context (GRCh38, chr15:44,663,455, plus strand): 5'-AGAAGGGGCCCTCCAGGCAGCAGCGACCCCCGCCCCGGCTGCCAGGCGTCAAAGAAAGCA[C>T]TTGGAGGCTGCCCGCAGCCGTCAGGCTCCCCAGAGCCTCCGGCTGTGTGCGCAGCTGCGC-3'
Protein context (NP_079413.3, residues 55-75): GSLTAAGSLQ[Val65Met]LSLTPGSRGG